The following is an entry in ClinVar:

NM_020812.4(DOCK6):c.3052C>T (p.Arg1018Trp)

Gene: DOCK6 (dedicator of cytokinesis 6; minus strand). Cytogenetic location: 19p13.2.
Variant type: single nucleotide variant.
Coding change: c.3052C>T on transcript NM_020812.4 (MANE Select); coding-DNA position 3052, C replaced by T.
Protein change: p.Arg1018Trp; replaces arginine 1018 with tryptophan.
Molecular consequence: missense variant.
Genome position (GRCh38, 1-based): chr19:11,223,010, G>A on the plus strand (C>T on the coding strand, the complement: DOCK6 is on the minus strand). VCF-style: chr19-11223010-G-A. GRCh37 (hg19) VCF-style: chr19-11333686-G-A.
Other names: c.3052C>T (NM_020812.3, NM_020812.2); c.3157C>T, p.Arg1053Trp (NM_001367830.1); short protein forms R1018W, R1053W.
Identifiers: ClinVar variation 1358682 (VCV001358682.13), dbSNP rs200261463, ClinGen allele CA9207387.
Genomic context (GRCh38, chr19:11,223,010, plus strand): 5'-CTTCCATCCATGCCATGCCCACCCTGCCCACGCCCACTCCTACCTGCTTGTAGTGGGCCC[G>A]GACCAGGCTGAAGACAAAGCCCCGGTCCACCAGGGACAGAAGGTCACTGAGGAAGAAAGC-3'
Protein context (NP_065863.2, residues 1008-1028): VDRGFVFSLV[Arg1018Trp]AHYKQVATRL

ClinVar aggregate classification (germline): Uncertain significance. Review status: criteria provided, multiple submitters, no conflicts (2 of 4 stars). 6 submissions from 6 submitters: Uncertain significance (5). 1 of the submissions does not count toward it. Last evaluated 2025-12-08.

Conditions:
DOCK6-related disorder. Also called: DOCK6-related condition.
Adams-Oliver syndrome 2 (AOS2). Identifiers: Orphanet 974, MedGen C3280182, MONDO:0013635, OMIM 614219.
Inborn genetic diseases. Identifiers: MedGen C0950123, MeSH D030342.

Allele frequency attached by ClinVar (database versions not stated): ESP Exome Variant Server 0.00024; gnomAD 0.00029.

Submissions (6):

Labcorp Genetics (formerly Invitae), Labcorp
Classification: Uncertain significance. Last evaluated: 2025-12-08. Review status: criteria provided, single submitter. Criteria: Invitae Variant Classification Sherloc (09022015). Collection method: clinical testing. Allele origin: germline.
Comment: This sequence change replaces arginine, which is basic and polar, with tryptophan, which is neutral and slightly polar, at codon 1018 of the DOCK6 protein (p.Arg1018Trp). This variant is present in population databases (rs200261463, gnomAD 0.05%). This variant has not been reported in the literature in individuals affected with DOCK6-related conditions. ClinVar contains an entry for this variant (Variation ID: 1358682). Invitae Evidence Modeling of protein sequence and biophysical properties (such as structural, functional, and spatial information, amino acid conservation, physicochemical variation, residue mobility, and thermodynamic stability) indicates that this missense variant is not expected to disrupt DOCK6 protein function with a negative predictive value of 80%. In summary, the available evidence is currently insufficient to determine the role of this variant in disease. Therefore, it has been classified as a Variant of Uncertain Significance.

GeneDx
Classification: Uncertain significance. Last evaluated: 2024-10-11. Review status: criteria provided, single submitter. Criteria: GeneDx Variant Classification Process June 2021. Collection method: clinical testing. Allele origin: germline. Affected: yes.
Comment: In silico analysis supports that this missense variant has a deleterious effect on protein structure/function; Has not been previously published as pathogenic or benign to our knowledge

Revvity Omics, Revvity
Classification: Uncertain significance for Adams-Oliver syndrome 2. Last evaluated: 2023-10-30. Review status: criteria provided, single submitter. Criteria: ACMG Guidelines, 2015. Collection method: clinical testing. Allele origin: germline.

Blueprint Genetics
Classification: Uncertain significance. Last evaluated: 2023-01-02. Review status: criteria provided, single submitter. Criteria: ACMG Guidelines, 2015. Collection method: clinical testing. Allele origin: germline.

Ambry Genetics
Classification: Uncertain significance for Inborn genetic diseases. Last evaluated: 2022-02-28. Review status: criteria provided, single submitter. Criteria: Ambry Variant Classification Scheme 2023. Collection method: clinical testing. Allele origin: germline.

PreventionGenetics, part of Exact Sciences
Classification: Uncertain significance for DOCK6-related condition. Last evaluated: 2024-01-29. Review status: no assertion criteria provided. Collection method: clinical testing. Allele origin: germline. Not counted in ClinVar's aggregate classification.
Comment: The DOCK6 c.3052C>T variant is predicted to result in the amino acid substitution p.Arg1018Trp. To our knowledge, this variant has not been reported in the literature. This variant is reported in 0.058% of alleles in individuals of African descent in gnomAD. Although we suspect that this variant may be benign, at this time, the clinical significance of this variant is uncertain due to the absence of conclusive functional and genetic evidence.